The following is an entry in ClinVar:

NM_001384732.1(CPLANE1):c.1372-2A>G

Gene: CPLANE1 (ciliogenesis and planar polarity effector complex subunit 1; minus strand). Cytogenetic location: 5p13.2.
Variant type: single nucleotide variant.
Coding change: c.1372-2A>G on transcript NM_001384732.1 (MANE Select); the canonical splice acceptor site of the intron before coding-DNA position 1372, A replaced by G.
Molecular consequence: splice acceptor variant.
Genome position (GRCh38, 1-based): chr5:37,227,394, T>C on the plus strand (A>G on the coding strand, the complement: CPLANE1 is on the minus strand). VCF-style: chr5-37227394-T-C. GRCh37 (hg19) VCF-style: chr5-37227496-T-C.
Other names: c.1372-2A>G (NM_023073.4).
Identifiers: ClinVar variation 288021 (VCV000288021.9), dbSNP rs886043786, ClinGen allele CA10605946.

ClinVar aggregate classification (germline): Pathogenic/Likely pathogenic. Review status: criteria provided, multiple submitters, no conflicts (2 of 4 stars). 4 submissions from 4 submitters: Pathogenic (3); Likely pathogenic (1). Last evaluated 2025-08-25.

Conditions:
CPLANE1-related disorder. Also called: CPLANE1-related condition.
Joubert syndrome 17 (JBTS17). Identifiers: Orphanet 475, MedGen C3553264, MONDO:0013824, OMIM 614615.
Orofaciodigital syndrome type 6 (OFD6). Also called: OROFACIODIGITAL SYNDROME VI; OFDS VI; POLYDACTYLY, CLEFT LIP/PALATE OR LINGUAL LUMP, AND PSYCHOMOTOR RETARDATION; VARADI SYNDROME; VARADI-PAPP SYNDROME; Oral-facial-digital syndrome type 6. Identifiers: Orphanet 2754, MedGen C2745997, MONDO:0010176, OMIM 277170.

Allele frequency attached by ClinVar (database versions not stated): gnomAD exomes below 0.00001.
gnomAD v4.1: 1 of 1,520,848 alleles (0.000066%); highest among the groups gnomAD compares: Non-Finnish European, 0.000088%; no homozygotes.

Submissions (4):

Daryl Scott Lab, Baylor College of Medicine
Classification: Pathogenic for CPLANE1-related disorder. Last evaluated: 2025-08-25. Review status: criteria provided, single submitter. Criteria: ACMG Guidelines, 2015. Collection method: clinical testing. Allele origin: unknown. Affected: yes. Observed: 1 compound heterozygote.
Comment: PVS1, PM2, PM3

Labcorp Genetics (formerly Invitae), Labcorp
Classification: Likely pathogenic. Last evaluated: 2025-03-17. Review status: criteria provided, single submitter. Criteria: Invitae Variant Classification Sherloc (09022015). Collection method: clinical testing. Allele origin: germline.
Comment: This sequence change affects an acceptor splice site in intron 10 of the CPLANE1 gene. It is expected to disrupt RNA splicing. Variants that disrupt the donor or acceptor splice site typically lead to a loss of protein function (PMID: 16199547), and loss-of-function variants in CPLANE1 are known to be pathogenic (PMID: 24178751, 26092869). This variant is not present in population databases (gnomAD no frequency). This variant has not been reported in the literature in individuals affected with CPLANE1-related conditions. ClinVar contains an entry for this variant (Variation ID: 288021). Algorithms developed to predict the effect of sequence changes on RNA splicing suggest that this variant may disrupt the consensus splice site. In summary, the currently available evidence indicates that the variant is pathogenic, but additional data are needed to prove that conclusively. Therefore, this variant has been classified as Likely Pathogenic.

Fulgent Genetics
Classification: Pathogenic for Orofaciodigital syndrome type 6; Joubert syndrome 17. Last evaluated: 2022-05-27. Review status: criteria provided, single submitter. Criteria: ACMG Guidelines, 2015. Collection method: clinical testing. Allele origin: unknown.

Eurofins Ntd Llc (ga)
Classification: Pathogenic. Last evaluated: 2016-05-17. Review status: criteria provided, single submitter. Criteria: EGL Classification Definitions 2015. Collection method: clinical testing. Allele origin: germline. Observed: 1 variant allele, 1 heterozygote.

Literature cited by the submitters: PubMed 16199547 (cited by Labcorp Genetics (formerly Invitae), Labcorp); PubMed 24178751 (cited by Labcorp Genetics (formerly Invitae), Labcorp); PubMed 26092869 (cited by Labcorp Genetics (formerly Invitae), Labcorp).